The following is an entry in ClinVar:

ClinVar aggregate classification (germline): Uncertain significance (1 of 4 stars; one submission).

Conditions:
Familial hemophagocytic lymphohistiocytosis 4 (FHL4). Also called: STX11-Related Familial Hemophagocytic Lymphohistiocytosis (STX11-fHLH). Identifiers: Orphanet 540, MedGen C1863728, MONDO:0011336, OMIM 603552.

Allele frequency attached by ClinVar (database versions not stated): gnomAD 0.00001; gnomAD exomes 0.00002; ExAC 0.00006; 1000 Genomes Project 30x 0.00016; 1000 Genomes Project 0.00020.
gnomAD v4.1: 42 of 1,614,098 alleles (0.0026%); highest among the groups gnomAD compares: South Asian, 0.037%; no homozygotes.

Submission:

Labcorp Genetics (formerly Invitae), Labcorp
Classification: Uncertain significance for Familial hemophagocytic lymphohistiocytosis 4. Last evaluated: 2022-08-19. Review status: criteria provided, single submitter. Criteria: Invitae Variant Classification Sherloc (09022015). Collection method: clinical testing. Allele origin: germline.
Comment: This sequence change replaces phenylalanine, which is neutral and non-polar, with isoleucine, which is neutral and non-polar, at codon 26 of the STX11 protein (p.Phe26Ile). This variant is present in population databases (rs548646794, gnomAD 0.04%). This variant has not been reported in the literature in individuals affected with STX11-related conditions. Algorithms developed to predict the effect of missense changes on protein structure and function output the following: SIFT: "Tolerated"; PolyPhen-2: "Benign"; Align-GVGD: "Class C0". The isoleucine amino acid residue is found in multiple mammalian species, which suggests that this missense change does not adversely affect protein function. In summary, the available evidence is currently insufficient to determine the role of this variant in disease. Therefore, it has been classified as a Variant of Uncertain Significance.

NM_003764.4(STX11):c.76T>A (p.Phe26Ile)

Gene: STX11 (syntaxin 11; plus strand). Cytogenetic location: 6q24.2.
Variant type: single nucleotide variant.
Coding change: c.76T>A on transcript NM_003764.4 (MANE Select); coding-DNA position 76, T replaced by A.
Protein change: p.Phe26Ile; replaces phenylalanine 26 with isoleucine.
Molecular consequence: missense variant.
Genome position (GRCh38, 1-based): chr6:144,186,703, T>A. VCF-style: chr6-144186703-T-A. GRCh37 (hg19) VCF-style: chr6-144507840-T-A.
Other names: short protein forms F26I.
Identifiers: ClinVar variation 1928442 (VCV001928442.2), dbSNP rs548646794, ClinGen allele CA4031611.
Genomic context (GRCh38, chr6:144,186,703, plus strand): 5'-GCAGAACTTCTGGACTTGTCCAAGCAATATGACCAGCAGTTCCCAGACGGGGACGATGAG[T>A]TTGACTCGCCCCACGAGGACATCGTGTTCGAGACGGACCACATCCTGGAGTCCCTGTACC-3'
Protein context (NP_003755.2, residues 16-36): DQQFPDGDDE[Phe26Ile]DSPHEDIVFE